The following is an entry in ClinVar:

NM_000099.4(CST3):c.88G>A (p.Gly30Ser)

Genes: CST3 (cystatin C; minus strand), LOC130065547 (ATAC-STARR-seq lymphoblastoid silent region 12734; plus strand). Cytogenetic location: 20p11.21.
Variant type: single nucleotide variant.
Coding change: c.88G>A on transcript NM_000099.4 (MANE Select); coding-DNA position 88, G replaced by A.
Protein change: p.Gly30Ser; replaces glycine 30 with serine.
Molecular consequence: missense variant.
Genome position (GRCh38, 1-based): chr20:23,637,775, C>T on the plus strand (G>A on the coding strand, the complement: CST3 is on the minus strand). VCF-style: chr20-23637775-C-T. GRCh37 (hg19) VCF-style: chr20-23618412-C-T.
Other names: p.Gly30Ser; c.88G>A, p.Gly30Ser (NM_001288614.2); short protein forms G30S.
Identifiers: ClinVar variation 714896 (VCV000714896.11), dbSNP rs200245337, ClinGen allele CA9790269.

ClinVar aggregate classification (germline): Benign/Likely benign. Review status: criteria provided, multiple submitters, no conflicts (2 of 4 stars). 3 submissions from 3 submitters: Benign (1); Likely benign (1). 1 of the submissions does not count toward it. Last evaluated 2025-08-27.

Allele frequency attached by ClinVar (database versions not stated): gnomAD exomes 0.00053; ExAC 0.00140; 1000 Genomes Project 0.00180; 1000 Genomes Project 30x 0.00234; ESP Exome Variant Server 0.00257; TOPMed 0.00306; gnomAD 0.00316 and 0.00345.
gnomAD v4.1: 877 of 1,529,268 alleles (0.057%); highest among the groups gnomAD compares: African/African-American, 1.1%; 4 homozygotes.

Submissions (3):

Labcorp Genetics (formerly Invitae), Labcorp
Classification: Benign. Last evaluated: 2025-08-27. Review status: criteria provided, single submitter. Criteria: Invitae Variant Classification Sherloc (09022015). Collection method: clinical testing. Allele origin: germline.

Mayo Clinic Laboratories, Mayo Clinic
Classification: Likely benign. Last evaluated: 2025-04-21. Review status: criteria provided, single submitter. Criteria: ACMG Guidelines, 2015. Collection method: clinical testing. Allele origin: germline. Observed: 1 variant allele.
Comment: BS1, BP4_strong

Genetic Services Laboratory, University of Chicago
Classification: Benign. Last evaluated: 2022-11-28. Review status: no assertion criteria provided. Collection method: clinical testing. Allele origin: germline. Affected: no. Not counted in ClinVar's aggregate classification.